The following is an entry in ClinVar:

ClinVar aggregate classification (germline): Uncertain significance (0 of 4 stars; one submission).

Conditions:
NRP2-related disorder. Also called: NRP2-related condition.

gnomAD v4.1: 112 of 1,614,104 alleles (0.0069%); highest among the groups gnomAD compares: South Asian, 0.018%; no homozygotes.

Submission:

PreventionGenetics, part of Exact Sciences
Classification: Uncertain significance for NRP2-related condition. Last evaluated: 2024-07-01. Review status: no assertion criteria provided. Collection method: clinical testing. Allele origin: germline.
Comment: The NRP2 c.2611G>A variant is predicted to result in the amino acid substitution p.Ala871Thr. To our knowledge, this variant has not been reported in the literature. This variant is reported in 0.020% of alleles in individuals of South Asian descent in gnomAD. At this time, the clinical significance of this variant is uncertain due to the absence of conclusive functional and genetic evidence.

NM_003872.3(NRP2):c.2596G>A (p.Ala866Thr)

Gene: NRP2 (neuropilin 2; plus strand). Cytogenetic location: 2q33.3.
Variant type: single nucleotide variant.
Coding change: c.2596G>A on transcript NM_003872.3 (MANE Select); coding-DNA position 2596, G replaced by A.
Protein change: p.Ala866Thr; replaces alanine 866 with threonine.
Molecular consequence: missense variant.
Genome position (GRCh38, 1-based): chr2:205,794,873, G>A. VCF-style: chr2-205794873-G-A. GRCh37 (hg19) VCF-style: chr2-206659597-G-A.
Other names: c.2611G>A, p.Ala871Thr (NM_201266.2); c.2545G>A, p.Ala849Thr (NM_201279.2); short protein forms A849T, A866T, A871T.
Identifiers: ClinVar variation 3350987 (VCV003350987.1).